The following is an entry in ClinVar:

ClinVar aggregate classification (germline): Conflicting classifications of pathogenicity. Review status: criteria provided, conflicting classifications (1 of 4 stars). 7 submissions from 7 submitters: Uncertain significance (1); Benign (2); Likely benign (3). 1 of the submissions does not count toward it. Last evaluated 2026-02-02.

Conditions:
LOXHD1-related disorder. Also called: LOXHD1-related condition.
Autosomal recessive nonsyndromic hearing loss 77. Identifiers: Orphanet 90636, MedGen C2746083, MONDO:0013119, OMIM 613079.

Allele frequency attached by ClinVar (database versions not stated): gnomAD exomes 0.00024 and 0.00037; ExAC 0.00067; gnomAD 0.00167 and 0.00173; ESP Exome Variant Server 0.00175; TOPMed 0.00186; 1000 Genomes Project 30x 0.00187; 1000 Genomes Project 0.00200.
gnomAD v4.1: 602 of 1,551,834 alleles (0.039%); highest among the groups gnomAD compares: African/African-American, 0.66%; 4 homozygotes.

Submissions (7):

Labcorp Genetics (formerly Invitae), Labcorp
Classification: Benign. Last evaluated: 2026-02-02. Review status: criteria provided, single submitter. Criteria: Invitae Variant Classification Sherloc (09022015). Collection method: clinical testing. Allele origin: germline.

PreventionGenetics, part of Exact Sciences
Classification: Likely benign for LOXHD1-related condition. Last evaluated: 2024-12-10. Review status: criteria provided, single submitter. Criteria: ACMG Guidelines, 2015. Collection method: clinical testing. Allele origin: germline.
Comment: This variant is classified as likely benign based on ACMG/AMP sequence variant interpretation guidelines (Richards et al. 2015 PMID: 25741868, with internal and published modifications).

Blueprint Genetics
Classification: Likely benign. Last evaluated: 2024-11-12. Review status: criteria provided, single submitter. Criteria: ACMG Guidelines, 2015. Collection method: clinical testing. Allele origin: germline.

Illumina Laboratory Services, Illumina
Classification: Uncertain significance for Autosomal recessive nonsyndromic hearing loss 77. Last evaluated: 2018-01-12. Review status: criteria provided, single submitter. Criteria: ICSL Variant Classification Criteria 13 December 2019. Collection method: clinical testing. Allele origin: germline.

Eurofins Ntd Llc (ga)
Classification: Likely benign. Last evaluated: 2017-04-26. Review status: criteria provided, single submitter. Criteria: EGL Classification Definitions 2015. Collection method: clinical testing. Allele origin: germline. Observed: 2 variant alleles, 2 heterozygotes.

Laboratory for Molecular Medicine, Mass General Brigham Personalized Medicine
Classification: Benign. Last evaluated: 2015-05-26. Review status: criteria provided, single submitter. Criteria: LMM Criteria. Collection method: clinical testing. Allele origin: germline. Observed: 5 variant alleles.
Comment: p.Thr1030Thr in Exon 20 of LOXHD1: This variant is not expected to have clinical significance because it does not alter an amino acid residue and is not located within the splice consensus sequence. It has been identified in 0.54% (15/2770) of African chromosomes by the Exome Aggregation Consortium (ExAC; dbSNP rs113994614 ).

Natera, Inc.
Classification: Likely benign for Autosomal recessive deafness type 77. Last evaluated: 2020-06-15. Review status: no assertion criteria provided. Collection method: clinical testing. Allele origin: germline. Not counted in ClinVar's aggregate classification.

NM_001384474.1(LOXHD1):c.3090G>A (p.Thr1030=)

Gene: LOXHD1 (lipoxygenase homology PLAT domains 1; minus strand). Cytogenetic location: 18q21.1.
Variant type: single nucleotide variant.
Coding change: c.3090G>A on transcript NM_001384474.1 (MANE Select); coding-DNA position 3090, G replaced by A.
Protein change: p.Thr1030=; no amino-acid change (threonine 1030 retained).
Molecular consequence: synonymous variant.
Genome position (GRCh38, 1-based): chr18:46,559,574, C>T on the plus strand (G>A on the coding strand, the complement: LOXHD1 is on the minus strand). VCF-style: chr18-46559574-C-T. GRCh37 (hg19) VCF-style: chr18-44139537-C-T.
Other names: c.3090G>A, p.Thr1030= (NM_144612.7).
Identifiers: ClinVar variation 226716 (VCV000226716.26), dbSNP rs113994614, ClinGen allele CA8952562.
Genomic context (GRCh38, chr18:46,559,574, plus strand): 5'-CTCCTCGCCGTAGATGGTTAGGTAGACGTTAGCATCAGTGCCGGCCTTGGGCACATTCCC[C>T]GTGACCACCTGAACCTCATAGGTGTTTCCTGTAGACACAGAAAGATGCAGTGTGGAGGGC-3'
Protein context (NP_001371403.1, residues 1020-1040): ERNTYEVQVV[Thr1030=]GNVPKAGTDA